The following is an entry in ClinVar:

ClinVar aggregate classification (germline): Uncertain significance. Review status: criteria provided, multiple submitters, no conflicts (2 of 4 stars). 3 submissions from 3 submitters: Uncertain significance (3). Last evaluated 2022-01-18.

Conditions:
Inborn genetic diseases. Identifiers: MedGen C0950123, MeSH D030342.
Muscular dystrophy-dystroglycanopathy (congenital with brain and eye anomalies), type A9. Also called: Muscular dystrophy-dystroglycanopathy (congenital with brain and eye anomalies), type a, 9; WALKER-WARBURG SYNDROME OR MUSCLE-EYE BRAIN DISEASE, DAG1-RELATED. Identifiers: Orphanet 370997, Orphanet 899, MedGen C4225291, MONDO:0014683, OMIM 616538.
Autosomal recessive limb-girdle muscular dystrophy type 2P. Also called: Limb-Girdle Muscular Dystrophy Type 9C; MUSCULAR DYSTROPHY, LIMB-GIRDLE, TYPE 2P; MUSCULAR DYSTROPHY-DYSTROGLYCANOPATHY, LIMB-GIRDLE, DAG1-RELATED. Identifiers: Orphanet 280333, MedGen C4511963, MONDO:0013440, OMIM 613818.

Allele frequency attached by ClinVar (database versions not stated): gnomAD 0.00002; TOPMed 0.00002; gnomAD exomes below 0.00001 and 0.00001; ExAC 0.00001.
gnomAD v4.1: 21 of 1,613,840 alleles (0.0013%); highest among the groups gnomAD compares: Non-Finnish European, 0.0018%; no homozygotes.

Submissions (3):

GeneDx
Classification: Uncertain significance. Last evaluated: 2022-01-18. Review status: criteria provided, single submitter. Criteria: GeneDx Variant Classification Process June 2021. Collection method: clinical testing. Allele origin: germline. Affected: yes.
Comment: Not observed at significant frequency in large population cohorts (gnomAD); In silico analysis supports that this missense variant does not alter protein structure/function; Has not been previously published as pathogenic or benign to our knowledge; This variant is associated with the following publications: (PMID: 21388311)

Ambry Genetics
Classification: Uncertain significance for Inborn genetic diseases. Last evaluated: 2021-09-16. Review status: criteria provided, single submitter. Criteria: Ambry Variant Classification Scheme 2023. Collection method: clinical testing. Allele origin: germline.

Labcorp Genetics (formerly Invitae), Labcorp
Classification: Uncertain significance for Autosomal recessive limb-girdle muscular dystrophy type 2P; Muscular dystrophy-dystroglycanopathy (congenital with brain and eye anomalies), type A9. Last evaluated: 2017-08-10. Review status: criteria provided, single submitter. Criteria: Invitae Variant Classification Sherloc (09022015). Collection method: clinical testing. Allele origin: germline.
Comment: This sequence change replaces threonine with alanine at codon 396 of the DAG1 protein (p.Thr396Ala). The threonine residue is moderately conserved and there is a small physicochemical difference between threonine and alanine. This variant is present in population databases (rs779846682, ExAC 0.001%). This variant has not been reported in the literature in individuals with DAG1-related disease. Algorithms developed to predict the effect of missense changes on protein structure and function (SIFT, PolyPhen-2, Align-GVGD) all suggest that this variant is likely to be tolerated, but these predictions have not been confirmed by published functional studies and their clinical significance is uncertain. In summary, the available evidence is currently insufficient to determine the role of this variant in disease. Therefore, it has been classified as a Variant of Uncertain Significance.

NM_004393.6(DAG1):c.1186A>G (p.Thr396Ala)

Gene: DAG1 (dystroglycan 1; plus strand). Cytogenetic location: 3p21.31.
Variant type: single nucleotide variant.
Coding change: c.1186A>G on transcript NM_004393.6 (MANE Select); coding-DNA position 1186, A replaced by G.
Protein change: p.Thr396Ala; replaces threonine 396 with alanine.
Molecular consequence: missense variant.
Genome position (GRCh38, 1-based): chr3:49,531,697, A>G. VCF-style: chr3-49531697-A-G. GRCh37 (hg19) VCF-style: chr3-49569130-A-G.
Other names: c.1186A>G, p.Thr396Ala (NM_001165928.4, NM_001177634.3, NM_001177635.3 and 9 more transcripts); c.1186A>G (NM_004393.4); short protein forms T396A.
Identifiers: ClinVar variation 539123 (VCV000539123.6), dbSNP rs779846682, ClinGen allele CA2399028.